The following is an entry in ClinVar:

NM_004525.3(LRP2):c.5407A>G (p.Arg1803Gly)

Gene: LRP2 (LDL receptor related protein 2; minus strand). Cytogenetic location: 2q31.1.
Variant type: single nucleotide variant.
Coding change: c.5407A>G on transcript NM_004525.3 (MANE Select); coding-DNA position 5407, A replaced by G.
Protein change: p.Arg1803Gly; replaces arginine 1803 with glycine.
Molecular consequence: missense variant.
Genome position (GRCh38, 1-based): chr2:169,225,441, T>C on the plus strand (A>G on the coding strand, the complement: LRP2 is on the minus strand). VCF-style: chr2-169225441-T-C. GRCh37 (hg19) VCF-style: chr2-170081951-T-C.
Other names: c.5407A>G (NM_004525.2); short protein forms R1803G.
Identifiers: ClinVar variation 1495432 (VCV001495432.8), dbSNP rs758191179, ClinGen allele CA1954533.

ClinVar aggregate classification (germline): Uncertain significance. Review status: criteria provided, multiple submitters, no conflicts (2 of 4 stars). 3 submissions from 3 submitters: Uncertain significance (3). Last evaluated 2025-09-22.

Conditions:
Inborn genetic diseases. Identifiers: MedGen C0950123, MeSH D030342.

Allele frequency attached by ClinVar (database versions not stated): gnomAD exomes 0.00001; ExAC 0.00002; gnomAD 0.00005 and 0.00006; TOPMed 0.00005.
gnomAD v4.1: 16 of 1,613,932 alleles (0.00099%); highest among the groups gnomAD compares: African/African-American, 0.021%; no homozygotes.

Submissions (3):

Ambry Genetics
Classification: Uncertain significance for Inborn genetic diseases. Last evaluated: 2025-09-22. Review status: criteria provided, single submitter. Criteria: Ambry Variant Classification Scheme 2023. Collection method: clinical testing. Allele origin: germline.

Blueprint Genetics
Classification: Uncertain significance. Last evaluated: 2022-10-05. Review status: criteria provided, single submitter. Criteria: ACMG Guidelines, 2015. Collection method: clinical testing. Allele origin: germline.

Labcorp Genetics (formerly Invitae), Labcorp
Classification: Uncertain significance. Last evaluated: 2022-06-13. Review status: criteria provided, single submitter. Criteria: Invitae Variant Classification Sherloc (09022015). Collection method: clinical testing. Allele origin: germline.
Comment: This sequence change replaces arginine, which is basic and polar, with glycine, which is neutral and non-polar, at codon 1803 of the LRP2 protein (p.Arg1803Gly). This variant is present in population databases (rs758191179, gnomAD 0.02%). This variant has not been reported in the literature in individuals affected with LRP2-related conditions. Advanced modeling of protein sequence and biophysical properties (such as structural, functional, and spatial information, amino acid conservation, physicochemical variation, residue mobility, and thermodynamic stability) performed at Invitae indicates that this missense variant is expected to disrupt LRP2 protein function. In summary, the available evidence is currently insufficient to determine the role of this variant in disease. Therefore, it has been classified as a Variant of Uncertain Significance.